The following is an entry in ClinVar:

NM_014915.3(ANKRD26):c.4487A>T (p.Glu1496Val)

Gene: ANKRD26 (ankyrin repeat domain containing 26; minus strand). Cytogenetic location: 10p12.1.
Variant type: single nucleotide variant.
Coding change: c.4487A>T on transcript NM_014915.3 (MANE Select); coding-DNA position 4487, A replaced by T.
Protein change: p.Glu1496Val; replaces glutamic acid 1496 with valine.
Molecular consequence: missense variant.
Genome position (GRCh38, 1-based): chr10:27,017,521, T>A on the plus strand (A>T on the coding strand, the complement: ANKRD26 is on the minus strand). VCF-style: chr10-27017521-T-A. GRCh37 (hg19) VCF-style: chr10-27306450-T-A.
Other names: c.4484A>T, p.Glu1495Val (NM_001256053.2); short protein forms E1496V, E1495V.
Identifiers: ClinVar variation 3914619 (VCV003914619.1).

ClinVar aggregate classification (germline): Uncertain significance (1 of 4 stars; one submission).

Conditions:
Inborn genetic diseases. Identifiers: MedGen C0950123, MeSH D030342.

gnomAD v4.1: 1 of 1,613,614 alleles (0.000062%); no homozygotes.

Submission:

Ambry Genetics
Classification: Uncertain significance for Inborn genetic diseases. Last evaluated: 2025-05-19. Review status: criteria provided, single submitter. Criteria: Ambry Variant Classification Scheme 2023. Collection method: clinical testing. Allele origin: germline.
Comment: The p.E1496V variant (also known as c.4487A>T), located in coding exon 30 of the ANKRD26 gene, results from an A to T substitution at nucleotide position 4487. The glutamic acid at codon 1496 is replaced by valine, an amino acid with dissimilar properties. This amino acid position is conserved. In addition, this alteration is predicted to be tolerated by in silico analysis. Based on the available evidence, the clinical significance of this variant remains unclear.